The following is an entry in ClinVar:

NM_006296.7(VRK2):c.1266T>C (p.Tyr422=)

Genes: VRK2 (VRK serine/threonine kinase 2; plus strand), FANCL (FA complementation group L; minus strand). Cytogenetic location: 2p16.1.
Variant type: single nucleotide variant.
Coding change: c.1266T>C on transcript NM_006296.7 (MANE Select); coding-DNA position 1266, T replaced by C.
Protein change: p.Tyr422=; no amino-acid change (tyrosine 422 retained).
Molecular consequence: synonymous variant. On other transcripts: 3 prime UTR variant (5).
Genome position (GRCh38, 1-based): chr2:58,159,432, T>C. VCF-style: chr2-58159432-T-C. GRCh37 (hg19) VCF-style: chr2-58386567-T-C.
Other names: c.*333A>G (NM_001114636.2, NM_001374615.1, NM_001410792.1 and 1 more transcripts); c.1266T>C, p.Tyr422= (NM_001130480.2, NM_001130481.2, NM_001288837.2); c.1197T>C, p.Tyr399= (NM_001130482.2); c.*124T>C (NM_001130483.2, NM_001288838.2); c.912T>C, p.Tyr304= (NM_001288836.1, NM_001288839.2).
Identifiers: ClinVar variation 336650 (VCV000336650.13), dbSNP rs147811379, ClinGen allele CA1670195.

ClinVar aggregate classification (germline): Likely benign. Review status: criteria provided, multiple submitters, no conflicts (2 of 4 stars). 3 submissions from 3 submitters: Likely benign (3). Last evaluated 2026-08-01.

Conditions:
Fanconi anemia complementation group L (FANCL). Also called: FANCL-Related Fanconi Anemia. Identifiers: Orphanet 84, MedGen C3469528, MONDO:0013566, OMIM 614083.

Allele frequency attached by ClinVar (database versions not stated): ESP Exome Variant Server 0.00023; gnomAD exomes 0.00029 and 0.00108; ExAC 0.00070; gnomAD 0.00076 and 0.00084; TOPMed 0.00104; 1000 Genomes Project 0.00220; 1000 Genomes Project 30x 0.00234.
gnomAD v4.1: 560 of 1,613,698 alleles (0.035%); highest among the groups gnomAD compares: Admixed American, 0.67%; 2 homozygotes.

Submissions (3):

CeGaT Center for Human Genetics Tuebingen
Classification: Likely benign. Last evaluated: 2026-08-01. Review status: criteria provided, single submitter. Criteria: CeGaT Center For Human Genetics Tuebingen Variant Classification Criteria Version 2. Collection method: clinical testing. Allele origin: germline. Affected: yes. Observed: 7 variant alleles.
Comment: VRK2: BP4, BP7

Illumina Laboratory Services, Illumina
Classification: Likely benign for Fanconi anemia complementation group L. Last evaluated: 2018-01-12. Review status: criteria provided, single submitter. Criteria: ICSL Variant Classification Criteria 13 December 2019. Collection method: clinical testing. Allele origin: germline.
Comment: This variant was observed in the ICSL laboratory as part of a predisposition screen in an ostensibly healthy population. It had not been previously curated by ICSL or reported in the Human Gene Mutation Database (HGMD: prior to June 1st, 2018), and was therefore a candidate for classification through an automated scoring system. Utilizing variant allele frequency, disease prevalence and penetrance estimates, and inheritance mode, an automated score was calculated to assess if this variant is too frequent to cause the disease. Based on the score and internal cut-off values, a variant classified as likely benign is not then subjected to further curation. The score for this variant resulted in a classification of likely benign for this disease.

Breakthrough Genomics
Classification: Likely benign. Review status: criteria provided, single submitter. Criteria: ACMG Guidelines, 2015. Collection method: not provided. Allele origin: germline. Inheritance: Autosomal recessive inheritance. Affected: yes.